The following is an entry in ClinVar:

ClinVar aggregate classification (germline): Uncertain significance (1 of 4 stars; one submission).

Conditions:
Hereditary cancer-predisposing syndrome. Also called: Tumor predisposition; Neoplastic Syndromes, Hereditary; Hereditary neoplastic syndrome; Hereditary Cancer Syndrome. Identifiers: Orphanet 140162, MedGen C0027672, MeSH D009386, MONDO:0015356.

Submission:

Ambry Genetics
Classification: Uncertain significance for Hereditary cancer-predisposing syndrome. Last evaluated: 2025-08-27. Review status: criteria provided, single submitter. Criteria: Ambry Variant Classification Scheme 2023. Collection method: clinical testing. Allele origin: germline.
Comment: The p.R364G variant (also known as c.1090C>G), located in coding exon 12 of the MUTYH gene, results from a C to G substitution at nucleotide position 1090. The arginine at codon 364 is replaced by glycine, an amino acid with dissimilar properties. This amino acid position is conserved. In addition, the in silico prediction for this alteration is inconclusive. Based on the available evidence, the clinical significance of this variant remains unclear.

NM_001048174.2(MUTYH):c.1006C>G (p.Arg336Gly)

Gene: MUTYH (mutY DNA glycosylase; minus strand). Cytogenetic location: 1p34.1.
Variant type: single nucleotide variant.
Coding change: c.1006C>G on transcript NM_001048174.2 (MANE Select); coding-DNA position 1006, C replaced by G.
Protein change: p.Arg336Gly; replaces arginine 336 with glycine.
Molecular consequence: missense variant. On other transcripts: non-coding transcript variant (7).
Genome position (GRCh38, 1-based): chr1:45,331,757, G>C on the plus strand (C>G on the coding strand, the complement: MUTYH is on the minus strand). VCF-style: chr1-45331757-G-C. GRCh37 (hg19) VCF-style: chr1-45797429-G-C.
Other names: c.730C>G, p.Arg244Gly (NM_001407091.1, NM_001293196.2, NM_001293192.2); c.1081C>G, p.Arg361Gly (NM_012222.3); c.1006C>G, p.Arg336Gly (NM_001293195.2, NM_001407070.1, NM_001407072.1 and 6 more transcripts); c.661C>G, p.Arg221Gly (NM_001350650.2, NM_001350651.2, NM_001407082.1); c.1039C>G, p.Arg347Gly (NM_001407069.1, NM_001293191.2, NM_001407077.1); c.1009C>G, p.Arg337Gly (NM_001407071.1, NM_001048172.2, NM_001407078.1 and 1 more transcripts); c.1027C>G, p.Arg343Gly (NM_001407087.1); c.1090C>G, p.Arg364Gly (NM_001128425.2); and 5 more; short protein forms R221G, R361G, R323G, R337G, R347G, R308G, R336G, R350G.
Identifiers: ClinVar variation 4113007 (VCV004113007.1).